The following is an entry in ClinVar:

NM_000405.4(GM2A):c.-102A>G

Genes: GM2A (ganglioside GM2 activator; plus strand), LOC129995043 (ATAC-STARR-seq lymphoblastoid silent region 16523; plus strand). Cytogenetic location: 5q33.1.
Variant type: single nucleotide variant.
Coding change: c.-102A>G on transcript NM_000405.4; 102 bases upstream of the start codon, A replaced by G.
Genome position (GRCh38, 1-based): chr5:151,253,115, A>G. VCF-style: chr5-151253115-A-G. GRCh37 (hg19) VCF-style: chr5-150632676-A-G.
Identifiers: ClinVar variation 352249 (VCV000352249.8), dbSNP rs2277028, ClinGen allele CA10623791.

ClinVar aggregate classification (germline): Benign. Review status: criteria provided, multiple submitters, no conflicts (2 of 4 stars). 2 submissions from 2 submitters: Benign (2). Last evaluated 2021-06-19.

Conditions:
Tay-Sachs disease, variant AB. Also called: Gm2-gangliosidosis, ab variant; GM2 Activator Deficiency. Identifiers: Orphanet 309246, MedGen C0268275, MONDO:0010099, OMIM 272750.

Allele frequency attached by ClinVar (database versions not stated): gnomAD 0.36620 and 0.36829; TOPMed 0.38494; 1000 Genomes Project 30x 0.43020; 1000 Genomes Project 0.42851.

Submissions (2):

GeneDx
Classification: Benign. Last evaluated: 2021-06-19. Review status: criteria provided, single submitter. Criteria: GeneDx Variant Classification Process June 2021. Collection method: clinical testing. Allele origin: germline. Affected: yes.

Illumina Laboratory Services, Illumina
Classification: Benign for Tay-Sachs disease, variant AB. Last evaluated: 2018-01-12. Review status: criteria provided, single submitter. Criteria: ICSL Variant Classification Criteria 13 December 2019. Collection method: clinical testing. Allele origin: germline.
Comment: This variant was observed in the ICSL laboratory as part of a predisposition screen in an ostensibly healthy population. It had not been previously curated by ICSL or reported in the Human Gene Mutation Database (HGMD: prior to June 1st, 2018), and was therefore a candidate for classification through an automated scoring system. Utilizing variant allele frequency, disease prevalence and penetrance estimates, and inheritance mode, an automated score was calculated to assess if this variant is too frequent to cause the disease. Based on the score and internal cut-off values, a variant classified as benign is not then subjected to further curation. The score for this variant resulted in a classification of benign for this disease.